The following is an entry in ClinVar:

ClinVar aggregate classification (germline): Uncertain significance (1 of 4 stars; one submission).

Conditions:
Neuronopathy, distal hereditary motor, type 7A. Also called: Neuronopathy, distal hereditary motor, type viia; NEURONOPATHY, DISTAL HEREDITARY MOTOR, HARDING TYPE VIIA; NEUROPATHY, DISTAL HEREDITARY MOTOR, HARDING TYPE VIIA; Neuronopathy, distal hereditary motor, autosomal dominant 7; HARPER-YOUNG MYOPATHY; HMN VIIA. Identifiers: Orphanet 139589, MedGen C1834703, MONDO:0008024, OMIM 158580.
Congenital myasthenic syndrome 20. Also called: Myasthenic syndrome, congenital, 20, presynaptic. Identifiers: MedGen C4310694, MONDO:0014939, OMIM 617143.

Allele frequency attached by ClinVar (database versions not stated): TOPMed below 0.00001.

Submission:

Labcorp Genetics (formerly Invitae), Labcorp
Classification: Uncertain significance for Neuronopathy, distal hereditary motor, type 7A; Congenital myasthenic syndrome 20. Last evaluated: 2024-06-15. Review status: criteria provided, single submitter. Criteria: Invitae Variant Classification Sherloc (09022015). Collection method: clinical testing. Allele origin: germline.
Comment: This sequence change replaces threonine, which is neutral and polar, with isoleucine, which is neutral and non-polar, at codon 490 of the SLC5A7 protein (p.Thr490Ile). This variant is not present in population databases (gnomAD no frequency). This variant has not been reported in the literature in individuals affected with SLC5A7-related conditions. ClinVar contains an entry for this variant (Variation ID: 1921396). Advanced modeling of protein sequence and biophysical properties (such as structural, functional, and spatial information, amino acid conservation, physicochemical variation, residue mobility, and thermodynamic stability) performed at Invitae indicates that this missense variant is not expected to disrupt SLC5A7 protein function with a negative predictive value of 80%. In summary, the available evidence is currently insufficient to determine the role of this variant in disease. Therefore, it has been classified as a Variant of Uncertain Significance.

NM_021815.5(SLC5A7):c.1469C>T (p.Thr490Ile)

Gene: SLC5A7 (solute carrier family 5 member 7; plus strand). Cytogenetic location: 2q12.3.
Variant type: single nucleotide variant.
Coding change: c.1469C>T on transcript NM_021815.5 (MANE Select); coding-DNA position 1469, C replaced by T.
Protein change: p.Thr490Ile; replaces threonine 490 with isoleucine.
Molecular consequence: missense variant.
Genome position (GRCh38, 1-based): chr2:108,010,587, C>T. VCF-style: chr2-108010587-C-T. GRCh37 (hg19) VCF-style: chr2-108627043-C-T.
Other names: c.1469C>T, p.Thr490Ile (NM_001305005.3); c.1154C>T, p.Thr385Ile (NM_001305006.3); c.728C>T, p.Thr243Ile (NM_001305007.3); short protein forms T385I, T490I, T243I.
Identifiers: ClinVar variation 1921396 (VCV001921396.5), dbSNP rs909406468, ClinGen allele CA53969287.